The following is an entry in ClinVar:

NM_001330078.2(NRXN1):c.2446C>T (p.Arg816Trp)

Gene: NRXN1 (neurexin 1; minus strand). Cytogenetic location: 2p16.3.
Variant type: single nucleotide variant.
Coding change: c.2446C>T on transcript NM_001330078.2 (MANE Select); coding-DNA position 2446, C replaced by T.
Protein change: p.Arg816Trp; replaces arginine 816 with tryptophan.
Molecular consequence: missense variant.
Genome position (GRCh38, 1-based): chr2:50,506,546, G>A on the plus strand (C>T on the coding strand, the complement: NRXN1 is on the minus strand). VCF-style: chr2-50506546-G-A. GRCh37 (hg19) VCF-style: chr2-50733684-G-A.
Other names: c.2566C>T, p.Arg856Trp (NM_001135659.3); c.2422C>T, p.Arg808Trp (NM_001330077.2, NM_001330082.2); c.2380C>T, p.Arg794Trp (NM_001330083.2, NM_001330084.2); c.2419C>T, p.Arg807Trp (NM_001330085.2); c.2446C>T, p.Arg816Trp (NM_001330086.2, NM_004801.6); c.2335C>T, p.Arg779Trp (NM_001330087.2, NM_001330096.2); c.2365C>T, p.Arg789Trp (NM_001330088.2); c.2443C>T, p.Arg815Trp (NM_001330093.2); and 2 more; short protein forms R807W, R815W, R789W, R808W, R816W, R856W, R779W, R794W.
Identifiers: ClinVar variation 966416 (VCV000966416.9), dbSNP rs200325059, ClinGen allele CA1654818.
Genomic context (GRCh38, chr2:50,506,546, plus strand): 5'-GGTGTTTACCTGTCATGGCCTGTTGGTCATCCACTGTTAACTTTAAACTTTTTCCACGCC[G>A]AACTACACGCACTGTGTGCCACTCGTTATCATTGAGGTTATAGCCAGCAAAAAGAGTCTC-3'
Protein context (NP_001317007.1, residues 806-826): DNEWHTVRVV[Arg816Trp]RGKSLKLTVD

ClinVar aggregate classification (germline): Uncertain significance (1 of 4 stars; one submission).

Conditions:
Pitt-Hopkins-like syndrome 2 (PTHSL2). Identifiers: Orphanet 221150, Orphanet 600663, MedGen C3280479, MONDO:0013690, OMIM 614325.

Allele frequency attached by ClinVar (database versions not stated): ExAC 0.00002; gnomAD 0.00003; TOPMed 0.00004.
gnomAD v4.1: 17 of 1,612,998 alleles (0.0011%); highest among the groups gnomAD compares: African/African-American, 0.0013%; no homozygotes.

Submission:

Labcorp Genetics (formerly Invitae), Labcorp
Classification: Uncertain significance for Pitt-Hopkins-like syndrome 2. Last evaluated: 2025-06-09. Review status: criteria provided, single submitter. Criteria: Invitae Variant Classification Sherloc (09022015). Collection method: clinical testing. Allele origin: germline.
Comment: This sequence change replaces arginine, which is basic and polar, with tryptophan, which is neutral and slightly polar, at codon 856 of the NRXN1 protein (p.Arg856Trp). This variant is present in population databases (rs200325059, gnomAD 0.004%). This missense change has been observed in individual(s) with NRXN1-related conditions (PMID: 32942984, 33004838). ClinVar contains an entry for this variant (Variation ID: 966416). An algorithm developed to predict the effect of missense changes on protein structure and function (PolyPhen-2) suggests that this variant is likely to be disruptive. Experimental studies have shown that this missense change affects NRXN1 function (PMID: 32942984). In summary, the available evidence is currently insufficient to determine the role of this variant in disease. Therefore, it has been classified as a Variant of Uncertain Significance.

Literature cited by the submitters: PubMed 32942984; PubMed 33004838.